The following is an entry in ClinVar:

ClinVar aggregate classification (germline): Uncertain significance (1 of 4 stars; one submission).

Submission:

Labcorp Genetics (formerly Invitae), Labcorp
Classification: Uncertain significance. Last evaluated: 2025-01-13. Review status: criteria provided, single submitter. Criteria: Invitae Variant Classification Sherloc (09022015). Collection method: clinical testing. Allele origin: germline.
Comment: This sequence change replaces valine, which is neutral and non-polar, with alanine, which is neutral and non-polar, at codon 636 of the HPS1 protein (p.Val636Ala). This variant is not present in population databases (gnomAD no frequency). This variant has not been reported in the literature in individuals affected with HPS1-related conditions. ClinVar contains an entry for this variant (Variation ID: 1713632). Invitae Evidence Modeling of protein sequence and biophysical properties (such as structural, functional, and spatial information, amino acid conservation, physicochemical variation, residue mobility, and thermodynamic stability) indicates that this missense variant is not expected to disrupt HPS1 protein function with a negative predictive value of 95%. In summary, the available evidence is currently insufficient to determine the role of this variant in disease. Therefore, it has been classified as a Variant of Uncertain Significance.

NM_000195.5(HPS1):c.1907T>C (p.Val636Ala)

Gene: HPS1 (HPS1 biogenesis of lysosomal organelles complex 3 subunit 1; minus strand). Cytogenetic location: 10q24.2.
Variant type: single nucleotide variant.
Coding change: c.1907T>C on transcript NM_000195.5 (MANE Select); coding-DNA position 1907, T replaced by C.
Protein change: p.Val636Ala; replaces valine 636 with alanine.
Molecular consequence: missense variant.
Genome position (GRCh38, 1-based): chr10:98,418,208, A>G on the plus strand (T>C on the coding strand, the complement: HPS1 is on the minus strand). VCF-style: chr10-98418208-A-G. GRCh37 (hg19) VCF-style: chr10-100177965-A-G.
Other names: c.935T>C, p.Val312Ala (NM_001311345.2, NM_001322487.2, NM_001322489.2); c.1907T>C, p.Val636Ala (NM_001322476.2, NM_001322477.2); c.1808T>C, p.Val603Ala (NM_001322478.2, NM_001322479.2); c.1646T>C, p.Val549Ala (NM_001322480.2, NM_001322481.2); c.1547T>C, p.Val516Ala (NM_001322482.2); c.1538T>C, p.Val513Ala (NM_001322483.2, NM_001322484.2); c.1439T>C, p.Val480Ala (NM_001322485.2); short protein forms V312A, V480A, V513A, V516A, V549A, V603A, V636A.
Identifiers: ClinVar variation 1713632 (VCV001713632.5), dbSNP rs2538733521, ClinGen allele CA378042845.
Genomic context (GRCh38, chr10:98,418,208, plus strand): 5'-CCCCAGTGGCTCCCAACGCAGCGTCACCTGTAGTAGTCTCCTCCCAGCATGCCGATAGGC[A>G]CTGAGTCGTCGGAGAGGACGGGCACCTCGATCATCTGGAGTTTGTACCCCTGAGGAGGGA-3'
Protein context (NP_000186.2, residues 626-646): IEVPVLSDDS[Val636Ala]PIGMLGGDYY